The following is an entry in ClinVar:

ClinVar aggregate classification (germline): Uncertain significance (1 of 4 stars; one submission).

Conditions:
Hereditary cancer-predisposing syndrome. Also called: Tumor predisposition; Hereditary neoplastic syndrome; Hereditary Cancer Syndrome; Neoplastic Syndromes, Hereditary. Identifiers: Orphanet 140162, MedGen C0027672, MeSH D009386, MONDO:0015356.

Allele frequency attached by ClinVar (database versions not stated): gnomAD exomes 0.00001.
gnomAD v4.1: 3 of 1,614,178 alleles (0.00019%); highest among the groups gnomAD compares: South Asian, 0.0033%; no homozygotes.

Submission:

Ambry Genetics
Classification: Uncertain significance for Hereditary cancer-predisposing syndrome. Last evaluated: 2023-10-16. Review status: criteria provided, single submitter. Criteria: Ambry Variant Classification Scheme 2023. Collection method: clinical testing. Allele origin: germline.
Comment: The p.K55T variant (also known as c.164A>C), located in coding exon 2 of the SDHB gene, results from an A to C substitution at nucleotide position 164. The lysine at codon 55 is replaced by threonine, an amino acid with similar properties. This amino acid position is conserved. In addition, this alteration is predicted to be deleterious by in silico analysis. Since supporting evidence is limited at this time, the clinical significance of this alteration remains unclear.

NM_003000.3(SDHB):c.164A>C (p.Lys55Thr)

Gene: SDHB (succinate dehydrogenase complex iron sulfur subunit B; minus strand). Cytogenetic location: 1p36.13.
Variant type: single nucleotide variant.
Coding change: c.164A>C on transcript NM_003000.3 (MANE Select); coding-DNA position 164, A replaced by C.
Protein change: p.Lys55Thr; replaces lysine 55 with threonine.
Molecular consequence: missense variant.
Genome position (GRCh38, 1-based): chr1:17,044,797, T>G on the plus strand (A>C on the coding strand, the complement: SDHB is on the minus strand). VCF-style: chr1-17044797-T-G. GRCh37 (hg19) VCF-style: chr1-17371292-T-G.
Other names: c.164A>C, p.Lys55Thr (NM_001407361.1); short protein forms K55T.
Identifiers: ClinVar variation 3223003 (VCV003223003.1), dbSNP rs764843485, ClinGen allele CA338227887.